The following is an entry in ClinVar:

ClinVar aggregate classification (germline): Conflicting classifications of pathogenicity. Review status: criteria provided, conflicting classifications (1 of 4 stars). 5 submissions from 5 submitters: Uncertain significance (3); Likely benign (2). Last evaluated 2025-06-25.

Conditions:
Inborn genetic diseases. Identifiers: MedGen C0950123, MeSH D030342.
Developmental and epileptic encephalopathy, 14 (DEE14). Also called: Early infantile epileptic encephalopathy 14. Identifiers: Orphanet 293181, MedGen C3554195, MONDO:0013989, OMIM 614959.
Autosomal dominant nocturnal frontal lobe epilepsy 5. Also called: Epilepsy, nocturnal frontal lobe, 5; KCNT1-Related Epilepsy; CILIARY DYSKINESIA, PRIMARY, 28, WITHOUT SITUS INVERSUS; CILIARY DYSKINESIA, PRIMARY, 28, WITH SITUS INVERSUS. Identifiers: Orphanet 98784, MedGen C3554306, MONDO:0014002, OMIM 615005.

Allele frequency attached by ClinVar (database versions not stated): gnomAD exomes 0.00003 and 0.00007; ExAC 0.00004; TOPMed 0.00005; gnomAD 0.00007.

Submissions (5):

Labcorp Genetics (formerly Invitae), Labcorp
Classification: Likely benign for Autosomal dominant nocturnal frontal lobe epilepsy 5; Developmental and epileptic encephalopathy, 14. Last evaluated: 2025-06-25. Review status: criteria provided, single submitter. Criteria: Invitae Variant Classification Sherloc (09022015). Collection method: clinical testing. Allele origin: germline.

Blueprint Genetics
Classification: Likely benign. Last evaluated: 2022-04-14. Review status: criteria provided, single submitter. Criteria: ACMG Guidelines, 2015. Collection method: clinical testing. Allele origin: germline.

Ambry Genetics
Classification: Uncertain significance for Inborn genetic diseases. Last evaluated: 2018-09-21. Review status: criteria provided, single submitter. Criteria: Ambry Variant Classification Scheme 2023. Collection method: clinical testing. Allele origin: germline.
Comment: The c.1077_1078delAG variant, located in coding exon 12 of the KCNT1 gene, results from a deletion of two nucleotides at nucleotide positions 1077 to 1078, causing a translational frameshift with a predicted alternate stop codon (p.G361Qfs*134). This amino acid position is highly conserved in available vertebrate species. Based on data from gnomAD, this alteration has an overall frequency of approximately 0.007% (20/276676) total alleles studied. The highest observed frequency was 0.098% (10/10124) of Ashkenazi Jewish alleles. This alteration is expected to result in loss of function by premature protein truncation or nonsense-mediated mRNA decay. However, loss of function of KCNT1 has not been clearly established as a mechanism of disease. Since supporting evidence is limited at this time, the clinical significance of this alteration remains unclear.

GeneDx
Classification: Uncertain significance. Last evaluated: 2017-05-11. Review status: criteria provided, single submitter. Criteria: GeneDx Variant Classification (06012015). Collection method: clinical testing. Allele origin: germline. Affected: yes.
Comment: A variant of uncertain significance has been identified in the KCNT1 gene. The c.1077_1078delAG variant has not been published as a pathogenic variant, nor has it been reported as a benign variant to our knowledge. The c.1077_1078delAG variant is observed in 1/8544 (0.01%) alleles from individuals of East Asian background (Lek et al., 2016; 1000 Genomes Consortium et al., 2015; Exome Variant Server). The c.1077_1078delAG variant causes a frameshift starting with codon Glycine 361, changes this amino acid to a Glutamine residue and creates a premature Stop codon at position 134 of the new reading frame, denoted p.Gly361GlnfsX134. This variant is predicted to cause loss of normal protein function either through protein truncation or nonsense-mediated mRNA decay. However, only missense variants have been reported in the Human Gene Mutation Database in association with KCNT1-related disorders (Stenson et al., 2014). Therefore, based on the currently available information, it is unclear whether this variant is a pathogenic variant or a rare benign variant.

Eurofins Ntd Llc (ga)
Classification: Uncertain significance. Last evaluated: 2016-08-01. Review status: criteria provided, single submitter. Criteria: EGL Classification Definitions 2015. Collection method: clinical testing. Allele origin: germline. Observed: 1 variant allele, 1 heterozygote.

NM_020822.3(KCNT1):c.1077_1078del (p.Gly361fs)

Gene: KCNT1 (potassium sodium-activated channel subfamily T member 1; plus strand). Cytogenetic location: 9q34.3.
Variant type: Deletion.
Coding change: c.1077_1078del on transcript NM_020822.3 (MANE Select); coding-DNA positions 1077 to 1078, 2 bases deleted (AG; older notation c.1077_1078delAG).
Protein change: p.Gly361fs; shifts the reading frame from glycine 361.
Molecular consequence: frameshift variant.
Genome position (GRCh38, 1-based): chr9:135,765,072-135,765,073, AG deleted. VCF-style (leftmost placement, unchanged base first): chr9-135765071-CAG-C. GRCh37 (hg19) VCF-style: chr9-138656917-CAG-C.
Other names: c.1077_1078del (NM_020822.2); c.942_943del, p.Gly316fs (NM_001272003.2); short protein forms G361fs, G316fs.
Identifiers: ClinVar variation 289274 (VCV000289274.19), dbSNP rs796214553, ClinGen allele CA5326765.